The following is an entry in ClinVar:

NM_017739.4(POMGNT1):c.652+8C>T

Genes: POMGNT1 (protein O-linked mannose N-acetylglucosaminyltransferase 1 (beta 1,2-); minus strand), TSPAN1 (tetraspanin 1; plus strand). Cytogenetic location: 1p34.1.
Variant type: single nucleotide variant.
Coding change: c.652+8C>T on transcript NM_017739.4 (MANE Select); 8 bases into the intron after coding-DNA position 652, C replaced by T.
Molecular consequence: intron variant.
Genome position (GRCh38, 1-based): chr1:46,194,836, G>A on the plus strand (C>T on the coding strand, the complement: POMGNT1 is on the minus strand). VCF-style: chr1-46194836-G-A. GRCh37 (hg19) VCF-style: chr1-46660508-G-A.
Other names: c.652+8C>T (NM_001243766.2, NM_001438686.1, NM_001438688.1 and 3 more transcripts); c.586+8C>T (NM_001290129.3, NM_001438691.1, NM_001438692.1); c.223+8C>T (NM_001290130.2).
Identifiers: ClinVar variation 286911 (VCV000286911.13), dbSNP rs778376741, ClinGen allele CA833663.

ClinVar aggregate classification (germline): Uncertain significance. Review status: criteria provided, multiple submitters, no conflicts (2 of 4 stars). 2 submissions from 2 submitters: Uncertain significance (2). Last evaluated 2024-10-24.

Conditions:
Muscular dystrophy-dystroglycanopathy (congenital with impaired intellectual development), type B, 3. Also called: Muscular dystrophy-dystroglycanopathy (congenital with intellectual disability), type B3; MUSCULAR DYSTROPHY, CONGENITAL, POMGNT1-RELATED. Identifiers: MedGen C3150412, MONDO:0013155, OMIM 613151.
Autosomal recessive limb-girdle muscular dystrophy type 2O. Also called: MUSCULAR DYSTROPHY-DYSTROGLYCANOPATHY, LIMB-GIRDLE, POMGNT1-RELATED; Limb-Girdle Muscular Dystrophy Type 3C; MUSCULAR DYSTROPHY-DYSTROGLYCANOPATHY (LIMB-GIRDLE), TYPE C, 3. Identifiers: Orphanet 206564, MedGen C3150417, MONDO:0013161, OMIM 613157.

Allele frequency attached by ClinVar (database versions not stated): TOPMed 0.00004; ExAC 0.00001; gnomAD exomes 0.00001 and below 0.00001; gnomAD 0.00003.
gnomAD v4.1: 5 of 1,613,908 alleles (0.00031%); highest among the groups gnomAD compares: African/African-American, 0.0053%; no homozygotes.

Submissions (2):

Labcorp Genetics (formerly Invitae), Labcorp
Classification: Uncertain significance for Autosomal recessive limb-girdle muscular dystrophy type 2O; Muscular dystrophy-dystroglycanopathy (congenital with impaired intellectual development), type B, 3. Last evaluated: 2024-10-24. Review status: criteria provided, single submitter. Criteria: Invitae Variant Classification Sherloc (09022015). Collection method: clinical testing. Allele origin: germline.
Comment: This sequence change falls in intron 7 of the POMGNT1 gene. It does not directly change the encoded amino acid sequence of the POMGNT1 protein. This variant is present in population databases (rs778376741, gnomAD 0.01%). This variant has not been reported in the literature in individuals affected with POMGNT1-related conditions. ClinVar contains an entry for this variant (Variation ID: 286911). Algorithms developed to predict the effect of sequence changes on RNA splicing suggest that this variant may create or strengthen a splice site. In summary, the available evidence is currently insufficient to determine the role of this variant in disease. Therefore, it has been classified as a Variant of Uncertain Significance.

Eurofins Ntd Llc (ga)
Classification: Uncertain significance. Last evaluated: 2016-03-17. Review status: criteria provided, single submitter. Criteria: EGL Classification Definitions 2015. Collection method: clinical testing. Allele origin: germline. Observed: 1 variant allele, 1 heterozygote.